The following is an entry in ClinVar:

NM_014822.4(SEC24D):c.2576C>T (p.Pro859Leu)

Gene: SEC24D (SEC24 homolog D, COPII coat complex component; minus strand). Cytogenetic location: 4q26.
Variant type: single nucleotide variant.
Coding change: c.2576C>T on transcript NM_014822.4 (MANE Select); coding-DNA position 2576, C replaced by T.
Protein change: p.Pro859Leu; replaces proline 859 with leucine.
Molecular consequence: missense variant.
Genome position (GRCh38, 1-based): chr4:118,732,833, G>A on the plus strand (C>T on the coding strand, the complement: SEC24D is on the minus strand). VCF-style: chr4-118732833-G-A. GRCh37 (hg19) VCF-style: chr4-119653988-G-A.
Other names: c.2579C>T, p.Pro860Leu (NM_001318066.2); short protein forms P859L, P860L.
Identifiers: ClinVar variation 1925838 (VCV001925838.4), dbSNP rs375393177, ClinGen allele CA3056932.

ClinVar aggregate classification (germline): Uncertain significance (1 of 4 stars; one submission).

Allele frequency attached by ClinVar (database versions not stated): ExAC 0.00001; gnomAD 0.00001; TOPMed 0.00002; ESP Exome Variant Server 0.00008.
gnomAD v4.1: 4 of 1,613,858 alleles (0.00025%); highest among the groups gnomAD compares: African/African-American, 0.0053%; no homozygotes.

Submission:

Labcorp Genetics (formerly Invitae), Labcorp
Classification: Uncertain significance. Last evaluated: 2022-04-08. Review status: criteria provided, single submitter. Criteria: Invitae Variant Classification Sherloc (09022015). Collection method: clinical testing. Allele origin: germline.
Comment: In summary, the available evidence is currently insufficient to determine the role of this variant in disease. Therefore, it has been classified as a Variant of Uncertain Significance. Algorithms developed to predict the effect of missense changes on protein structure and function are either unavailable or do not agree on the potential impact of this missense change (SIFT: "Not Available"; PolyPhen-2: "Benign"; Align-GVGD: "Not Available"). This variant has not been reported in the literature in individuals affected with SEC24D-related conditions. This variant is present in population databases (rs375393177, gnomAD 0.01%). This sequence change replaces proline, which is neutral and non-polar, with leucine, which is neutral and non-polar, at codon 859 of the SEC24D protein (p.Pro859Leu).